The following is an entry in ClinVar:

NM_000059.4(BRCA2):c.6485_6487delinsGACA (p.Lys2162fs)

Gene: BRCA2 (BRCA2 DNA repair associated; plus strand). Cytogenetic location: 13q13.1.
Variant type: Indel.
Coding change: c.6485_6487delinsGACA on transcript NM_000059.4 (MANE Select); coding-DNA positions 6485 to 6487, AAC replaced by GACA.
Protein change: p.Lys2162fs; shifts the reading frame from lysine 2162.
Molecular consequence: frameshift variant.
Genome position (GRCh38, 1-based): chr13:32,340,840-32,340,842, AAC replaced by GACA. VCF-style: chr13-32340840-AAC-GACA. GRCh37 (hg19) VCF-style: chr13-32914977-AAC-GACA.
Other names: c.6485_6487delAACinsGACA (NM_000059.3); short protein forms K2162fs.
Identifiers: ClinVar variation 2566035 (VCV002566035.2), dbSNP rs2548533445, ClinGen allele CA2499222241.

ClinVar aggregate classification (germline): Pathogenic (1 of 4 stars; one submission).

Conditions:
Hereditary cancer-predisposing syndrome. Also called: Neoplastic Syndromes, Hereditary; Hereditary Cancer Syndrome; Hereditary neoplastic syndrome; Tumor predisposition. Identifiers: Orphanet 140162, MedGen C0027672, MeSH D009386, MONDO:0015356.

Submission:

Ambry Genetics
Classification: Pathogenic for Hereditary cancer-predisposing syndrome. Last evaluated: 2023-06-01. Review status: criteria provided, single submitter. Criteria: Ambry Variant Classification Scheme 2023. Collection method: clinical testing. Allele origin: germline.
Comment: The c.6485_6487delAACinsGACA pathogenic mutation, located in coding exon 10 of the BRCA2 gene, results from the deletion of 3 nucleotides and insertion of 4 nucleotides causing a translational frameshift with a predicted alternate stop codon (p.K2162Rfs*14). This alteration was identified in 1 of 527 patients with either breast, ovarian, or pancreatic cancer. (Loizidou MA et al. Clin Genet, 2017 Apr;91:611-615). This variant is considered to be rare based on population cohorts in the Genome Aggregation Database (gnomAD). In addition to the clinical data presented in the literature, this alteration is expected to result in loss of function by premature protein truncation or nonsense-mediated mRNA decay. As such, this alteration is interpreted as a disease-causing mutation.

Literature cited by the submitters: PubMed 27882536.